The following is an entry in ClinVar:

NM_004239.4(TRIP11):c.533C>G (p.Ser178Ter)

Gene: TRIP11 (thyroid hormone receptor interactor 11; minus strand). Cytogenetic location: 14q32.12.
Variant type: single nucleotide variant.
Coding change: c.533C>G on transcript NM_004239.4 (MANE Select); coding-DNA position 533, C replaced by G.
Protein change: p.Ser178Ter; replaces serine 178 with a stop codon.
Molecular consequence: nonsense.
Genome position (GRCh38, 1-based): chr14:92,021,611, G>C on the plus strand (C>G on the coding strand, the complement: TRIP11 is on the minus strand). VCF-style: chr14-92021611-G-C. GRCh37 (hg19) VCF-style: chr14-92487955-G-C.
Other names: c.530C>G, p.Ser177Ter (NM_001321851.1); short protein forms S177*, S178*.
Identifiers: ClinVar variation 4734346 (VCV004734346.1).

ClinVar aggregate classification (germline): Pathogenic (1 of 4 stars; one submission).

Conditions:
Achondrogenesis, type IA (ACG1A). Identifiers: Orphanet 932, Orphanet 93299, MedGen C0265273, MONDO:0008701, OMIM 200600.

Submission:

Labcorp Genetics (formerly Invitae), Labcorp
Classification: Pathogenic for Achondrogenesis, type IA. Last evaluated: 2026-01-04. Review status: criteria provided, single submitter. Criteria: Invitae Variant Classification Sherloc (09022015). Collection method: clinical testing. Allele origin: germline.
Comment: This sequence change creates a premature translational stop signal (p.Ser178*) in the TRIP11 gene. It is expected to result in an absent or disrupted protein product. Loss-of-function variants in TRIP11 are known to be pathogenic (PMID: 20089971, 23956106). This variant is not present in population databases (gnomAD no frequency). This variant has not been reported in the literature in individuals affected with TRIP11-related conditions. For these reasons, this variant has been classified as Pathogenic.

Literature cited by the submitters: PubMed 20089971; PubMed 23956106.